The following is an entry in ClinVar:

ClinVar aggregate classification (germline): Likely benign (1 of 4 stars; one submission).

Conditions:
Familial cancer of breast. Also called: Hereditary breast cancer; BREAST CANCER, FAMILIAL; hereditary breast carcinoma. Identifiers: Orphanet 227535, MedGen C0346153, MONDO:0016419, OMIM 114480. Disease mechanism: loss of function.

Submission:

Myriad Genetics, Inc.
Classification: Likely benign for Familial cancer of breast. Last evaluated: 2024-10-01. Review status: criteria provided, single submitter. Criteria: Myriad Autosomal Dominant, Autosomal Recessive and X-Linked Classification Criteria (2023). Collection method: clinical testing. Allele origin: unknown.
Comment: This variant is considered likely benign. This variant is intronic and is not expected to impact mRNA splicing.

NM_007194.4(CHEK2):c.-6-13C>T

Gene: CHEK2 (checkpoint kinase 2; minus strand). Cytogenetic location: 22q12.1.
Variant type: single nucleotide variant.
Coding change: c.-6-13C>T on transcript NM_007194.4 (MANE Select); 13 bases into the intron before 6 bases upstream of the start codon, C replaced by T.
Molecular consequence: intron variant.
Genome position (GRCh38, 1-based): chr22:28,734,740, G>A on the plus strand (C>T on the coding strand, the complement: CHEK2 is on the minus strand). VCF-style: chr22-28734740-G-A. GRCh37 (hg19) VCF-style: chr22-29130728-G-A.
Other names: c.-345+7029C>T (NM_001437942.1); c.-6-13C>T (NM_001349956.3, NM_145862.3, NM_001438295.1 and 3 more transcripts); c.-783-13C>T (NM_001257387.3).
Identifiers: ClinVar variation 3772769 (VCV003772769.1).